The following is an entry in ClinVar:

ClinVar aggregate classification (germline): Uncertain significance. Review status: criteria provided, multiple submitters, no conflicts (2 of 4 stars). 2 submissions from 2 submitters: Uncertain significance (2). Last evaluated 2023-12-11.

Conditions:
Autoinflammation-PLCG2-associated antibody deficiency-immune dysregulation. Also called: Autoinflammation, antibody deficiency, and immune dysregulation syndrome; AUTOINFLAMMATION, ANTIBODY DEFICIENCY, AND IMMUNE DYSREGULATION; Autoinflammation, antibody deficiency, and immune dysregulation, plcg2-associated. Identifiers: Orphanet 324530, MedGen C3553961, MONDO:0013944, OMIM 614878.
Familial cold autoinflammatory syndrome 3 (FCAS3). Also called: FAMILIAL ATYPICAL COLD URTICARIA; ANTIBODY DEFICIENCY AND IMMUNE DYSREGULATION, PLCG2-ASSOCIATED. Identifiers: Orphanet 300359, MedGen C3280914, MONDO:0013766, OMIM 614468.

Submissions (2):

Labcorp Genetics (formerly Invitae), Labcorp
Classification: Uncertain significance for Familial cold autoinflammatory syndrome 3. Last evaluated: 2023-12-11. Review status: criteria provided, single submitter. Criteria: Invitae Variant Classification Sherloc (09022015). Collection method: clinical testing. Allele origin: germline.
Comment: This sequence change replaces cysteine, which is neutral and slightly polar, with tryptophan, which is neutral and slightly polar, at codon 1249 of the PLCG2 protein (p.Cys1249Trp). This variant is not present in population databases (gnomAD no frequency). This variant has not been reported in the literature in individuals affected with PLCG2-related conditions. ClinVar contains an entry for this variant (Variation ID: 1009426). An algorithm developed to predict the effect of missense changes on protein structure and function (PolyPhen-2) suggests that this variant is likely to be disruptive. In summary, the available evidence is currently insufficient to determine the role of this variant in disease. Therefore, it has been classified as a Variant of Uncertain Significance.

Fulgent Genetics
Classification: Uncertain significance for Familial cold autoinflammatory syndrome 3; Autoinflammation-PLCG2-associated antibody deficiency-immune dysregulation. Last evaluated: 2022-01-06. Review status: criteria provided, single submitter. Criteria: ACMG Guidelines, 2015. Collection method: clinical testing. Allele origin: unknown.

NM_002661.5(PLCG2):c.3747C>G (p.Cys1249Trp)

Gene: PLCG2 (phospholipase C gamma 2; plus strand). Cytogenetic location: 16q23.3.
Variant type: single nucleotide variant.
Coding change: c.3747C>G on transcript NM_002661.5 (MANE Select); coding-DNA position 3747, C replaced by G.
Protein change: p.Cys1249Trp; replaces cysteine 1249 with tryptophan.
Molecular consequence: missense variant.
Genome position (GRCh38, 1-based): chr16:81,956,871, C>G. VCF-style: chr16-81956871-C-G. GRCh37 (hg19) VCF-style: chr16-81990476-C-G.
Other names: short protein forms C1249W.
Identifiers: ClinVar variation 1009426 (VCV001009426.10), dbSNP rs1197295448, ClinGen allele CA396898678.